The following is an entry in ClinVar:

NC_000019.9:g.(?_13470400)_(13482613_?)del

Gene: CACNA1A (calcium voltage-gated channel subunit alpha1 A; minus strand). Cytogenetic location: 19p13.2.
Variant type: Deletion.
Identifiers: ClinVar variation 3248503 (VCV003248503.1).

ClinVar aggregate classification (germline): Pathogenic (1 of 4 stars; one submission).

Conditions:
Episodic ataxia type 2 (EA2). Also called: ATAXIA, EPISODIC, WITH NYSTAGMUS; ATAXIA, FAMILIAL PAROXYSMAL; CEREBELLAR ATAXIA, PAROXYSMAL, ACETAZOLAMIDE-RESPONSIVE; CEREBELLOPATHY, HEREDITARY PAROXYSMAL; EPISODIC ATAXIA, NYSTAGMUS-ASSOCIATED; ACETAZOLAMIDE-RESPONSIVE HEREDITARY PAROXYSMAL CEREBELLAR ATAXIA. Identifiers: Orphanet 97, MedGen C1720416, MONDO:0007163, OMIM 108500.
Developmental and epileptic encephalopathy, 42 (DEE42A). Also called: DEVELOPMENTAL AND EPILEPTIC ENCEPHALOPATHY 42A; EPILEPTIC ENCEPHALOPATHY, EARLY INFANTILE, 42A; Epileptic encephalopathy, early infantile, 42. Identifiers: MedGen C4310716, MONDO:0014917, OMIM 617106.

Submission:

Labcorp Genetics (formerly Invitae), Labcorp
Classification: Pathogenic for Developmental and epileptic encephalopathy, 42; Episodic ataxia type 2. Last evaluated: 2023-07-31. Review status: criteria provided, single submitter. Criteria: Invitae Variant Classification Sherloc (09022015). Collection method: clinical testing. Allele origin: unknown.
Comment: This variant has not been reported in the literature in individuals affected with CACNA1A-related conditions. This variant is a gross deletion of the genomic region encompassing exon(s) 4-6 of the CACNA1A gene. This deletion is out-of-frame, and is expected to create a premature termination codon and result in an absent or disrupted protein product. Loss-of-function variants in CACNA1A are known to be pathogenic (PMID: 10371528, 19486177, 25735478, 27250579). For these reasons, this variant has been classified as Pathogenic.

Literature cited by the submitters: PubMed 10371528; PubMed 19486177; PubMed 25735478; PubMed 27250579.